The following is an entry in ClinVar:

ClinVar aggregate classification (germline): Likely pathogenic (1 of 4 stars; one submission).

Conditions:
Short-rib thoracic dysplasia 10 with or without polydactyly (SRTD10). Identifiers: Orphanet 474, MedGen C3810175, MONDO:0014284, OMIM 615630.
Retinitis pigmentosa 71 (RP71). Identifiers: Orphanet 791, MedGen C4225342, MONDO:0014618, OMIM 616394.

Submission:

Labcorp Genetics (formerly Invitae), Labcorp
Classification: Likely pathogenic for Retinitis pigmentosa 71; Short-rib thoracic dysplasia 10 with or without polydactyly. Last evaluated: 2023-11-14. Review status: criteria provided, single submitter. Criteria: Invitae Variant Classification Sherloc (09022015). Collection method: clinical testing. Allele origin: germline.
Comment: This variant results in the deletion of part of exon 41 (c.4429-178_4436del) of the IFT172 gene. It is expected to disrupt RNA splicing. Variants that disrupt the donor or acceptor splice site typically lead to a loss of protein function (PMID: 16199547), and loss-of-function variants in IFT172 are known to be pathogenic (PMID: 24140113). This variant is not present in population databases (gnomAD no frequency). This variant has not been reported in the literature in individuals affected with IFT172-related conditions. In summary, the currently available evidence indicates that the variant is pathogenic, but additional data are needed to prove that conclusively. Therefore, this variant has been classified as Likely Pathogenic.

Literature cited by the submitters: PubMed 16199547; PubMed 24140113.

NM_015662.3(IFT172):c.4429-178_4436del

Gene: IFT172 (intraflagellar transport 172; minus strand). Cytogenetic location: 2p23.3.
Variant type: Deletion.
Coding change: c.4429-178_4436del on transcript NM_015662.3 (MANE Select); 178 bases into the intron before coding-DNA position 4429 through coding-DNA position 4436, 186 bases deleted.
Molecular consequence: splice acceptor variant.
Genome position (GRCh38, 1-based): chr2:27,447,915-27,448,100, 186 bases deleted. GRCh37 (hg19): chr2:27,670,784-27,670,969.
Other names: c.4363-178_4370del (NM_001410739.1).
Identifiers: ClinVar variation 2953843 (VCV002953843.3), dbSNP rs2465806368, ClinGen allele CA2740092791.